The following is an entry in ClinVar:

NM_006940.6(SOX5):c.795C>T (p.Leu265=)

Gene: SOX5 (SRY-box transcription factor 5; minus strand). Cytogenetic location: 12p12.1.
Variant type: single nucleotide variant.
Coding change: c.795C>T on transcript NM_006940.6 (MANE Select); coding-DNA position 795, C replaced by T.
Protein change: p.Leu265=; no amino-acid change (leucine 265 retained).
Molecular consequence: synonymous variant.
Genome position (GRCh38, 1-based): chr12:23,734,699, G>A on the plus strand (C>T on the coding strand, the complement: SOX5 is on the minus strand). VCF-style: chr12-23734699-G-A. GRCh37 (hg19) VCF-style: chr12-23887633-G-A.
Other names: c.756C>T, p.Leu252= (NM_001261414.3, NM_152989.5); c.765C>T, p.Leu255= (NM_001261415.3); c.690C>T, p.Leu230= (NM_001330785.2).
Identifiers: ClinVar variation 776698 (VCV000776698.6), dbSNP rs142014018, ClinGen allele CA6484248.

ClinVar aggregate classification (germline): Benign. Review status: criteria provided, single submitter (1 of 4 stars). 2 submissions from 2 submitters: Benign (1). 1 of the submissions does not count toward it. Last evaluated 2019-12-31.

Conditions:
SOX5-related disorder. Also called: SOX5-related condition.

Allele frequency attached by ClinVar (database versions not stated): gnomAD exomes 0.00085; ExAC 0.00109; 1000 Genomes Project 0.00359; gnomAD 0.00367 and 0.00401; 1000 Genomes Project 30x 0.00406; ESP Exome Variant Server 0.00415; TOPMed 0.00436.
gnomAD v4.1: 1,024 of 1,612,162 alleles (0.064%); highest among the groups gnomAD compares: African/African-American, 1.2%; 9 homozygotes.

Submissions (2):

Labcorp Genetics (formerly Invitae), Labcorp
Classification: Benign. Last evaluated: 2019-12-31. Review status: criteria provided, single submitter. Criteria: Invitae Variant Classification Sherloc (09022015). Collection method: clinical testing. Allele origin: germline.

PreventionGenetics, part of Exact Sciences
Classification: Benign for SOX5-related condition. Last evaluated: 2020-10-21. Review status: no assertion criteria provided. Collection method: clinical testing. Allele origin: germline. Not counted in ClinVar's aggregate classification.
Comment: This variant is classified as benign based on ACMG/AMP sequence variant interpretation guidelines (Richards et al. 2015 PMID: 25741868, with internal and published modifications).